The following is an entry in ClinVar:

ClinVar aggregate classification (germline): Uncertain significance (1 of 4 stars; one submission).

Conditions:
Lymphoproliferative syndrome 1 (LPFS1). Identifiers: Orphanet 238505, Orphanet 538963, MedGen C3552634, MONDO:0013081, OMIM 613011.

Submission:

Labcorp Genetics (formerly Invitae), Labcorp
Classification: Uncertain significance for Lymphoproliferative syndrome 1. Last evaluated: 2021-05-18. Review status: criteria provided, single submitter. Criteria: Invitae Variant Classification Sherloc (09022015). Collection method: clinical testing. Allele origin: germline.
Comment: In summary, the available evidence is currently insufficient to determine the role of this variant in disease. Therefore, it has been classified as a Variant of Uncertain Significance. Advanced modeling of protein sequence and biophysical properties (such as structural, functional, and spatial information, amino acid conservation, physicochemical variation, residue mobility, and thermodynamic stability) performed at Invitae indicates that this missense variant is not expected to disrupt ITK protein function. This variant has not been reported in the literature in individuals with ITK-related conditions. This variant is not present in population databases (ExAC no frequency). This sequence change replaces glycine with arginine at codon 452 of the ITK protein (p.Gly452Arg). The glycine residue is highly conserved and there is a moderate physicochemical difference between glycine and arginine.

NM_005546.4(ITK):c.1354G>C (p.Gly452Arg)

Gene: ITK (IL2 inducible T cell kinase; plus strand). Cytogenetic location: 5q33.3.
Variant type: single nucleotide variant.
Coding change: c.1354G>C on transcript NM_005546.4 (MANE Select); coding-DNA position 1354, G replaced by C.
Protein change: p.Gly452Arg; replaces glycine 452 with arginine.
Molecular consequence: missense variant.
Genome position (GRCh38, 1-based): chr5:157,244,383, G>C. VCF-style: chr5-157244383-G-C. GRCh37 (hg19) VCF-style: chr5-156671393-G-C.
Other names: short protein forms G452R.
Identifiers: ClinVar variation 1376804 (VCV001376804.8), dbSNP rs2113775046, ClinGen allele CA361961623.